The following is an entry in ClinVar:

ClinVar aggregate classification (germline): Uncertain significance (1 of 4 stars; one submission).

Submission:

GeneDx
Classification: Uncertain significance. Last evaluated: 2017-09-20. Review status: criteria provided, single submitter. Criteria: GeneDx Variant Classification (06012015). Collection method: clinical testing. Allele origin: germline. Affected: yes.
Comment: The I1209M variant in the KMT2C gene has not been reported previously as a pathogenic variant, nor as a benign variant, to our knowledge. This variant is not observed in large population cohorts (Lek et al., 2016). The I1209M variant is a conservative amino acid substitution, which is not likely to impact secondary protein structure as these residues share similar properties. However, this substitution occurs at a position that is conserved across species, and in silico analysis is inconsistent in its predictions as to whether or not the variant is damaging to the protein structure/function. We interpret I1209M as a variant of uncertain significance.

NM_170606.3(KMT2C):c.3627A>G (p.Ile1209Met)

Gene: KMT2C (lysine methyltransferase 2C; minus strand). Cytogenetic location: 7q36.1.
Variant type: single nucleotide variant.
Coding change: c.3627A>G on transcript NM_170606.3 (MANE Select); coding-DNA position 3627, A replaced by G.
Protein change: p.Ile1209Met; replaces isoleucine 1209 with methionine.
Molecular consequence: missense variant.
Genome position (GRCh38, 1-based): chr7:152,220,608, T>C on the plus strand (A>G on the coding strand, the complement: KMT2C is on the minus strand). VCF-style: chr7-152220608-T-C. GRCh37 (hg19) VCF-style: chr7-151917693-T-C.
Other names: short protein forms I1209M.
Identifiers: ClinVar variation 452268 (VCV000452268.2), dbSNP rs1554544526, ClinGen allele CA370108877.
Genomic context (GRCh38, chr7:152,220,608, plus strand): 5'-CCTTGAATGCTCTGATTGGATGTCTGGAGGGGTCTGAAGGACGGCCACGCTATTCTGATT[T>C]ATAATCTTCAATTTCAATTTTGGTTTTGACCGTTTTCTTCTTGGAACTGTAACTGTGAGG-3'
Protein context (NP_733751.2, residues 1199-1219): RSKPKLKLKI[Ile1209Met]NQNSVAVLQT